The following is an entry in ClinVar:

ClinVar aggregate classification (germline): Likely benign (1 of 4 stars; one submission).

Conditions:
SHANK3-related disorder. Also called: SHANK3-related condition.

Submission:

PreventionGenetics, part of Exact Sciences
Classification: Likely benign for SHANK3-related condition. Last evaluated: 2019-12-09. Review status: criteria provided, single submitter. Criteria: ACMG Guidelines, 2015. Collection method: clinical testing. Allele origin: germline.
Comment: This variant is classified as likely benign based on ACMG/AMP sequence variant interpretation guidelines (Richards et al. 2015 PMID: 25741868, with internal and published modifications).

NM_001372044.2(SHANK3):c.4557C>T (p.Ala1519=)

Gene: SHANK3 (SH3 and multiple ankyrin repeat domains 3; plus strand). Cytogenetic location: 22q13.33.
Variant type: single nucleotide variant.
Coding change: c.4557C>T on transcript NM_001372044.2 (MANE Select); coding-DNA position 4557, C replaced by T.
Protein change: p.Ala1519=; no amino-acid change (alanine 1519 retained).
Molecular consequence: synonymous variant.
Genome position (GRCh38, 1-based): chr22:50,722,165, C>T. VCF-style: chr22-50722165-C-T. GRCh37 (hg19) VCF-style: chr22-51160593-C-T.
Other names: c.4332C>T, p.Ala1444= (NM_033517.1).
Identifiers: ClinVar variation 3048127 (VCV003048127.1), dbSNP rs752643016, ClinGen allele CA515264629.
Genomic context (GRCh38, chr22:50,722,165, plus strand): 5'-GGGGCCGGTGACCTTCAGGGACCCGCTGCTGAAGCAGTCCTCGGACAGCGAGCTCATGGC[C>T]CAGCAGCACCACGCCGCCTCTGCCGGGCTGGCCTCTGCCGCCGGGCCTGCCCGCCCTCGC-3'
Protein context (NP_001358973.1, residues 1509-1529): LKQSSDSELM[Ala1519=]QQHHAASAGL